The following is an entry in ClinVar:

ClinVar aggregate classification (germline): Uncertain significance (1 of 4 stars; one submission).

Conditions:
Familial cancer of breast. Also called: Hereditary breast cancer; hereditary breast carcinoma; BREAST CANCER, FAMILIAL. Identifiers: Orphanet 227535, MedGen C0346153, MONDO:0016419, OMIM 114480. Disease mechanism: loss of function.

Submission:

Labcorp Genetics (formerly Invitae), Labcorp
Classification: Uncertain significance for Familial cancer of breast. Last evaluated: 2022-07-09. Review status: criteria provided, single submitter. Criteria: Invitae Variant Classification Sherloc (09022015). Collection method: clinical testing. Allele origin: germline.
Comment: This sequence change replaces methionine, which is neutral and non-polar, with arginine, which is basic and polar, at codon 1049 of the PALB2 protein (p.Met1049Arg). This variant is not present in population databases (gnomAD no frequency). This variant has not been reported in the literature in individuals affected with PALB2-related conditions. ClinVar contains an entry for this variant (Variation ID: 1003282). Algorithms developed to predict the effect of missense changes on protein structure and function (SIFT, PolyPhen-2, Align-GVGD) all suggest that this variant is likely to be disruptive. In summary, the available evidence is currently insufficient to determine the role of this variant in disease. Therefore, it has been classified as a Variant of Uncertain Significance.

NM_024675.4(PALB2):c.3146T>G (p.Met1049Arg)

Gene: PALB2 (partner and localizer of BRCA2; minus strand). Cytogenetic location: 16p12.2.
Variant type: single nucleotide variant.
Coding change: c.3146T>G on transcript NM_024675.4 (MANE Select); coding-DNA position 3146, T replaced by G.
Protein change: p.Met1049Arg; replaces methionine 1049 with arginine.
Molecular consequence: missense variant.
Genome position (GRCh38, 1-based): chr16:23,614,059, A>C on the plus strand (T>G on the coding strand, the complement: PALB2 is on the minus strand). VCF-style: chr16-23614059-A-C. GRCh37 (hg19) VCF-style: chr16-23625380-A-C.
Other names: short protein forms M1049R.
Identifiers: ClinVar variation 1003282 (VCV001003282.9), dbSNP rs138273800, ClinGen allele CA395141339.